The following is an entry in ClinVar:

ClinVar aggregate classification (germline): Benign/Likely benign. Review status: criteria provided, multiple submitters, no conflicts (2 of 4 stars). 7 submissions from 7 submitters: Benign (2); Likely benign (5). Last evaluated 2026-01-20.

Conditions:
Familial colorectal cancer type X. Identifiers: Orphanet 440437, MedGen C3896578, MONDO:0018604.
Hereditary cancer-predisposing syndrome. Also called: Hereditary Cancer Syndrome; Tumor predisposition; Neoplastic Syndromes, Hereditary; Hereditary neoplastic syndrome. Identifiers: Orphanet 140162, MedGen C0027672, MeSH D009386, MONDO:0015356.
Familial cancer of breast. Also called: hereditary breast carcinoma; BREAST CANCER, FAMILIAL; Hereditary breast cancer. Identifiers: Orphanet 227535, MedGen C0346153, MONDO:0016419, OMIM 114480. Disease mechanism: loss of function.
Ataxia-telangiectasia syndrome (AT). Also called: ATAXIA-TELANGIECTASIA, COMPLEMENTATION GROUP A; ATAXIA-TELANGIECTASIA, FRESNO VARIANT; Ataxia-telangiectasia; Ataxia-telangiectasia, complementation group E; Cerebello-oculocutaneous telangiectasia; Immunodeficiency with ataxia telangiectasia. Identifiers: Orphanet 100, MedGen C0004135, MONDO:0008840, OMIM 208900.

Allele frequency attached by ClinVar (database versions not stated): gnomAD 0.00001 and 0.00004; ExAC 0.00002; 1000 Genomes Project 30x 0.00047; TOPMed 0.00001; gnomAD exomes 0.00002; 1000 Genomes Project 0.00040.
gnomAD v4.1: 53 of 1,613,768 alleles (0.0033%); highest among the groups gnomAD compares: East Asian, 0.085%; no homozygotes.

Submissions (7):

Labcorp Genetics (formerly Invitae), Labcorp
Classification: Likely benign for Ataxia-telangiectasia syndrome. Last evaluated: 2026-01-20. Review status: criteria provided, single submitter. Criteria: Invitae Variant Classification Sherloc (09022015). Collection method: clinical testing. Allele origin: germline.

Myriad Genetics, Inc.
Classification: Benign for Familial cancer of breast. Last evaluated: 2024-06-18. Review status: criteria provided, single submitter. Criteria: Myriad Autosomal Dominant, Autosomal Recessive and X-Linked Classification Criteria (2023). Collection method: clinical testing. Allele origin: unknown.
Comment: This variant is considered benign. This variant is a silent/synonymous amino acid change and it is not expected to impact splicing.

Department of Pathology and Laboratory Medicine, Sinai Health System
Classification: Likely benign for Familial colorectal cancer type X. Last evaluated: 2022-06-07. Review status: criteria provided, single submitter. Criteria: ACMG Guidelines, 2015. Collection method: clinical testing. Allele origin: germline. Affected: yes.

Women's Health and Genetics/Laboratory Corporation of America, LabCorp
Classification: Likely benign. Last evaluated: 2019-08-15. Review status: criteria provided, single submitter. Criteria: LabCorp Variant Classification Summary - May 2015. Collection method: clinical testing. Allele origin: germline.

Color Diagnostics, LLC DBA Color Health
Classification: Likely benign for Hereditary cancer-predisposing syndrome. Last evaluated: 2017-03-02. Review status: criteria provided, single submitter. Criteria: ACMG Guidelines, 2015. Collection method: clinical testing. Allele origin: germline.

GeneDx
Classification: Benign. Last evaluated: 2015-03-03. Review status: criteria provided, single submitter. Criteria: GeneDx Variant Classification Process June 2021. Collection method: clinical testing. Allele origin: germline. Affected: yes.

Ambry Genetics
Classification: Likely benign for Hereditary cancer-predisposing syndrome. Last evaluated: 2014-10-15. Review status: criteria provided, single submitter. Criteria: Ambry Variant Classification Scheme 2023. Collection method: clinical testing. Allele origin: germline.

Literature cited by the submitters: PubMed 30287823 (cited by Department of Pathology and Laboratory Medicine, Sinai Health System and Women's Health and Genetics/Laboratory Corporation of America, LabCorp).

NM_000051.4(ATM):c.8229G>A (p.Thr2743=)

Genes: ATM (ATM serine/threonine kinase; plus strand), C11orf65 (chromosome 11 open reading frame 65; minus strand). Cytogenetic location: 11q22.3.
Variant type: single nucleotide variant.
Coding change: c.8229G>A on transcript NM_000051.4 (MANE Select); coding-DNA position 8229, G replaced by A.
Protein change: p.Thr2743=; no amino-acid change (threonine 2743 retained).
Molecular consequence: synonymous variant. On other transcripts: intron variant (2).
Genome position (GRCh38, 1-based): chr11:108,335,922, G>A. VCF-style: chr11-108335922-G-A. GRCh37 (hg19) VCF-style: chr11-108206649-G-A.
Other names: c.8229G>A, p.Thr2743= (NM_001351834.2); c.641-26851C>T (NM_001330368.2); c.695-630C>T (NM_001351110.2).
Identifiers: ClinVar variation 184010 (VCV000184010.23), dbSNP rs150603052, ClinGen allele CA187474.
Genomic context (GRCh38, chr11:108,335,922, plus strand): 5'-ACAAGATGCTGTCATGCAACAGGTCTTCCAGATGTGTAATACATTACTGCAGAGAAACAC[G>A]GAAACTAGGAAGAGGAAATTAACTATCTGTACTTATAAGGTAACTATTTGTACTTCTGTT-3'
Protein context (NP_000042.3, residues 2733-2753): QMCNTLLQRN[Thr2743=]ETRKRKLTIC